The following is an entry in ClinVar:

ClinVar aggregate classification (germline): Benign (1 of 4 stars; one submission).

Allele frequency attached by ClinVar (database versions not stated): gnomAD 0.01761 and 0.01866; TOPMed 0.01964; 1000 Genomes Project 0.02216; 1000 Genomes Project 30x 0.02436.
gnomAD v4.1: 2,645 of 152,292 alleles (1.7%); highest among the groups gnomAD compares: African/African-American, 6.1%; 64 homozygotes.

Submission:

GeneDx
Classification: Benign. Last evaluated: 2018-06-14. Review status: criteria provided, single submitter. Criteria: GeneDx Variant Classification (06012015). Collection method: clinical testing. Allele origin: germline. Affected: yes.
Comment: This variant is considered likely benign or benign based on one or more of the following criteria: it is a conservative change, it occurs at a poorly conserved position in the protein, it is predicted to be benign by multiple in silico algorithms, and/or has population frequency not consistent with disease.

NM_000393.5(COL5A2):c.798+286A>G

Gene: COL5A2 (collagen type V alpha 2 chain; minus strand). Cytogenetic location: 2q32.2.
Variant type: single nucleotide variant.
Coding change: c.798+286A>G on transcript NM_000393.5 (MANE Select); 286 bases into the intron after coding-DNA position 798, A replaced by G.
Molecular consequence: intron variant.
Genome position (GRCh38, 1-based): chr2:189,084,874, T>C on the plus strand (A>G on the coding strand, the complement: COL5A2 is on the minus strand). VCF-style: chr2-189084874-T-C. GRCh37 (hg19) VCF-style: chr2-189949600-T-C.
Identifiers: ClinVar variation 681312 (VCV000681312.1), dbSNP rs116226024, ClinGen allele CA62567112.